The following is an entry in ClinVar:

ClinVar aggregate classification (germline): Likely benign. Review status: criteria provided, single submitter (1 of 4 stars). 2 submissions from 2 submitters: Likely benign (1). 1 of the submissions does not count toward it. Last evaluated 2025-12-03.

Conditions:
BMP2-related disorder. Also called: BMP2-related condition.

Allele frequency attached by ClinVar (database versions not stated): gnomAD 0.00017; ExAC 0.00009; ESP Exome Variant Server 0.00008; TOPMed 0.00018.
gnomAD v4.1: 74 of 1,613,228 alleles (0.0046%); highest among the groups gnomAD compares: African/African-American, 0.059%; no homozygotes.

Submissions (2):

Labcorp Genetics (formerly Invitae), Labcorp
Classification: Likely benign. Last evaluated: 2025-12-03. Review status: criteria provided, single submitter. Criteria: Invitae Variant Classification Sherloc (09022015). Collection method: clinical testing. Allele origin: germline.

PreventionGenetics, part of Exact Sciences
Classification: Likely benign for BMP2-related condition. Last evaluated: 2021-07-06. Review status: no assertion criteria provided. Collection method: clinical testing. Allele origin: germline. Not counted in ClinVar's aggregate classification.
Comment: This variant is classified as likely benign based on ACMG/AMP sequence variant interpretation guidelines (Richards et al. 2015 PMID: 25741868, with internal and published modifications).

NM_001200.4(BMP2):c.1125C>T (p.Asp375=)

Gene: BMP2 (bone morphogenetic protein 2; plus strand). Cytogenetic location: 20p12.3.
Variant type: single nucleotide variant.
Coding change: c.1125C>T on transcript NM_001200.4 (MANE Select); coding-DNA position 1125, C replaced by T.
Protein change: p.Asp375=; no amino-acid change (aspartic acid 375 retained).
Molecular consequence: synonymous variant.
Genome position (GRCh38, 1-based): chr20:6,779,023, C>T. VCF-style: chr20-6779023-C-T. GRCh37 (hg19) VCF-style: chr20-6759670-C-T.
Other names: c.1125C>T (NM_001200.3).
Identifiers: ClinVar variation 2912831 (VCV002912831.5), dbSNP rs374701917, ClinGen allele CA9758786.